The following is an entry in ClinVar:

ClinVar aggregate classification (germline): Pathogenic (1 of 4 stars; one submission).

Conditions:
Fraser syndrome 1 (FRASRS1). Also called: CRYPTOPHTHALMOS WITH OTHER MALFORMATIONS. Identifiers: Orphanet 2052, MedGen C4551480, MONDO:0054737, OMIM 219000.

gnomAD v4.1: 5 of 1,613,994 alleles (0.00031%); highest among the groups gnomAD compares: Non-Finnish European, 0.00042%; no homozygotes.

Submission:

Service de Biochimie Médicale et Biologie Moléculaire, CHU Clermont-Ferrand
Classification: Pathogenic for Fraser syndrome 1. Last evaluated: 2018-09-14. Review status: criteria provided, single submitter. Criteria: ACMG Guidelines, 2015. Collection method: clinical testing. Allele origin: inherited. Inheritance: Autosomal recessive inheritance. Affected: yes.
Comment: This variant in homozygous state or compound heterozygous state induced Fraser syndrome phenotype

NM_025074.7(FRAS1):c.11158C>T (p.Gln3720Ter)

Gene: FRAS1 (Fraser extracellular matrix complex subunit 1; plus strand). Cytogenetic location: 4q21.21.
Variant type: single nucleotide variant.
Coding change: c.11158C>T on transcript NM_025074.7 (MANE Select); coding-DNA position 11158, C replaced by T.
Protein change: p.Gln3720Ter; replaces glutamine 3720 with a stop codon.
Molecular consequence: nonsense.
Genome position (GRCh38, 1-based): chr4:78,537,060, C>T. VCF-style: chr4-78537060-C-T. GRCh37 (hg19) VCF-style: chr4-79458214-C-T.
Other names: short protein forms Q3720*.
Identifiers: ClinVar variation 916641 (VCV000916641.1), dbSNP rs1219344385, ClinGen allele CA357398982.